The following is an entry in ClinVar:

ClinVar aggregate classification (germline): Uncertain significance (1 of 4 stars; one submission).

Conditions:
Werner syndrome (WRN). Identifiers: Orphanet 902, MedGen C0043119, MONDO:0010196, OMIM 277700.

Allele frequency attached by ClinVar (database versions not stated): gnomAD exomes 0.00002.
gnomAD v4.1: 25 of 1,609,072 alleles (0.0016%); highest among the groups gnomAD compares: Non-Finnish European, 0.0021%; no homozygotes.

Submission:

Labcorp Genetics (formerly Invitae), Labcorp
Classification: Uncertain significance for Werner syndrome. Last evaluated: 2025-06-16. Review status: criteria provided, single submitter. Criteria: Invitae Variant Classification Sherloc (09022015). Collection method: clinical testing. Allele origin: germline.
Comment: This sequence change replaces glutamic acid, which is acidic and polar, with glycine, which is neutral and non-polar, at codon 228 of the WRN protein (p.Glu228Gly). This variant is not present in population databases (gnomAD no frequency). This variant has not been reported in the literature in individuals affected with WRN-related conditions. ClinVar contains an entry for this variant (Variation ID: 937514). An algorithm developed to predict the effect of missense changes on protein structure and function (PolyPhen-2) suggests that this variant is likely to be tolerated. RNA analysis performed to evaluate the impact of this missense change on mRNA splicing indicates it does not significantly alter splicing (internal data). In summary, the available evidence is currently insufficient to determine the role of this variant in disease. Therefore, it has been classified as a Variant of Uncertain Significance.

NM_000553.6(WRN):c.683A>G (p.Glu228Gly)

Gene: WRN (WRN RecQ like helicase; plus strand). Cytogenetic location: 8p12.
Variant type: single nucleotide variant.
Coding change: c.683A>G on transcript NM_000553.6 (MANE Select); coding-DNA position 683, A replaced by G.
Protein change: p.Glu228Gly; replaces glutamic acid 228 with glycine.
Molecular consequence: missense variant.
Genome position (GRCh38, 1-based): chr8:31,068,286, A>G. VCF-style: chr8-31068286-A-G. GRCh37 (hg19) VCF-style: chr8-30925802-A-G.
Other names: short protein forms E228G.
Identifiers: ClinVar variation 937514 (VCV000937514.6), dbSNP rs1812784964, ClinGen allele CA370917002.
Genomic context (GRCh38, chr8:31,068,286, plus strand): 5'-CATACTTTTTAAATTTTTCTGTTTTTTTATAGGCTGGTTTTATTATTTACCGAAATTTAG[A>G]GATTTTGGATGATACTGTGCAAAGGTTTGCTATAAATAAAGGTATGTTAAGATCCATAAA-3'
Protein context (NP_000544.2, residues 218-238): YAGFIIYRNL[Glu228Gly]ILDDTVQRFA